The following is an entry in ClinVar:

ClinVar aggregate classification (germline): Uncertain significance. Review status: criteria provided, single submitter (1 of 4 stars). 2 submissions from 2 submitters: Uncertain significance (1). 1 of the submissions does not count toward it. Last evaluated 2023-11-27.

Conditions:
Autism spectrum disorder - epilepsy - arthrogryposis syndrome (AMRS). Identifiers: Orphanet 370943, MedGen C3809910, MONDO:0014248, OMIM 615553.

Allele frequency attached by ClinVar (database versions not stated): gnomAD exomes 0.00001 and 0.00002; gnomAD 0.00003 and 0.00004; ESP Exome Variant Server 0.00008; TOPMed 0.00003; ExAC 0.00002.

Submissions (2):

Labcorp Genetics (formerly Invitae), Labcorp
Classification: Uncertain significance for Autism spectrum disorder - epilepsy - arthrogryposis syndrome. Last evaluated: 2023-11-27. Review status: criteria provided, single submitter. Criteria: Invitae Variant Classification Sherloc (09022015). Collection method: clinical testing. Allele origin: germline.
Comment: This sequence change replaces leucine, which is neutral and non-polar, with phenylalanine, which is neutral and non-polar, at codon 250 of the SLC35A3 protein (p.Leu250Phe). This variant is present in population databases (rs137902416, gnomAD 0.007%). This variant has not been reported in the literature in individuals affected with SLC35A3-related conditions. ClinVar contains an entry for this variant (Variation ID: 541610). Advanced modeling of protein sequence and biophysical properties (such as structural, functional, and spatial information, amino acid conservation, physicochemical variation, residue mobility, and thermodynamic stability) performed at Invitae indicates that this missense variant is not expected to disrupt SLC35A3 protein function with a negative predictive value of 80%. In summary, the available evidence is currently insufficient to determine the role of this variant in disease. Therefore, it has been classified as a Variant of Uncertain Significance.

Natera, Inc.
Classification: Uncertain significance for Arthrogryposis, mental retardation, and seizures. Last evaluated: 2019-11-11. Review status: no assertion criteria provided. Collection method: clinical testing. Allele origin: germline. Not counted in ClinVar's aggregate classification.

NM_012243.3(SLC35A3):c.748C>T (p.Leu250Phe)

Gene: SLC35A3 (solute carrier family 35 member A3; plus strand). Cytogenetic location: 1p21.2.
Variant type: single nucleotide variant.
Coding change: c.748C>T on transcript NM_012243.3 (MANE Select); coding-DNA position 748, C replaced by T.
Protein change: p.Leu250Phe; replaces leucine 250 with phenylalanine.
Molecular consequence: missense variant. On other transcripts: intron variant (1).
Genome position (GRCh38, 1-based): chr1:100,015,415, C>T. VCF-style: chr1-100015415-C-T. GRCh37 (hg19) VCF-style: chr1-100480971-C-T.
Other names: c.874C>T, p.Leu292Phe (NM_001271685.2); c.634+3882C>T (NM_001271684.2); short protein forms L250F, L292F.
Identifiers: ClinVar variation 541610 (VCV000541610.11), dbSNP rs137902416, ClinGen allele CA967656.